The following is an entry in ClinVar:

ClinVar aggregate classification (germline): Uncertain significance (1 of 4 stars; one submission).

Conditions:
Meckel-Gruber syndrome. Also called: Dysencephalia splachnocystica; DYSENCEPHALIA SPLANCHNOCYSTICA; GRUBER SYNDROME. Identifiers: Orphanet 564, MedGen C0265215, MONDO:0018921.
Joubert syndrome. Also called: Familial aplasia of the vermis; JOUBERT-BOLTSHAUSER SYNDROME. Identifiers: Orphanet 475, MedGen C5979921, MONDO:0018772.

Allele frequency attached by ClinVar (database versions not stated): gnomAD exomes below 0.00001.
gnomAD v4.1: 1 of 1,613,348 alleles (0.000062%); highest among the groups gnomAD compares: East Asian, 0.0022%; no homozygotes.

Submission:

Labcorp Genetics (formerly Invitae), Labcorp
Classification: Uncertain significance for Joubert syndrome; Meckel-Gruber syndrome. Last evaluated: 2018-03-02. Review status: criteria provided, single submitter. Criteria: Invitae Variant Classification Sherloc (09022015). Collection method: clinical testing. Allele origin: germline.
Comment: This sequence change replaces serine with arginine at codon 422 of the CC2D2A protein (p.Ser422Arg). The serine residue is highly conserved and there is a moderate physicochemical difference between serine and arginine. This variant is not present in population databases (ExAC no frequency). This variant has not been reported in the literature in individuals with CC2D2A-related disease. Algorithms developed to predict the effect of missense changes on protein structure and function do not agree on the potential impact of this missense change (SIFT: "Tolerated"; PolyPhen-2: "Probably Damaging"; Align-GVGD: "Class C0"). In summary, the available evidence is currently insufficient to determine the role of this variant in disease. Therefore, it has been classified as a Variant of Uncertain Significance.

NM_001378615.1(CC2D2A):c.1266C>G (p.Ser422Arg)

Genes: CC2D2A (coiled-coil and C2 domain containing 2A; plus strand), FBXL5 (F-box and leucine rich repeat protein 5; minus strand). Cytogenetic location: 4p15.32.
Variant type: single nucleotide variant.
Coding change: c.1266C>G on transcript NM_001378615.1 (MANE Select); coding-DNA position 1266, C replaced by G.
Protein change: p.Ser422Arg; replaces serine 422 with arginine.
Molecular consequence: missense variant.
Genome position (GRCh38, 1-based): chr4:15,527,563, C>G. VCF-style: chr4-15527563-C-G. GRCh37 (hg19) VCF-style: chr4-15529186-C-G.
Other names: c.1266C>G, p.Ser422Arg (NM_001080522.2); c.1119C>G, p.Ser373Arg (NM_001378617.1); short protein forms S422R, S373R.
Identifiers: ClinVar variation 568843 (VCV000568843.7), dbSNP rs1229319521, ClinGen allele CA356410364.